The following is an entry in ClinVar:

NM_002458.3(MUC5B):c.14116A>C (p.Thr4706Pro)

Gene: MUC5B (mucin 5B, oligomeric mucus/gel-forming; plus strand). Cytogenetic location: 11p15.5.
Variant type: single nucleotide variant.
Coding change: c.14116A>C on transcript NM_002458.3 (MANE Select); coding-DNA position 14116, A replaced by C.
Protein change: p.Thr4706Pro; replaces threonine 4706 with proline.
Molecular consequence: missense variant.
Genome position (GRCh38, 1-based): chr11:1,250,996, A>C. VCF-style: chr11-1250996-A-C. GRCh37 (hg19) VCF-style: chr11-1272226-A-C.
Other names: short protein forms T4706P.
Identifiers: ClinVar variation 403179 (VCV000403179.8), dbSNP rs2943512, ClinGen allele CA5808558.

ClinVar aggregate classification (germline): Benign. Review status: criteria provided, multiple submitters, no conflicts (2 of 4 stars). 3 submissions from 3 submitters: Benign (3). Last evaluated 2018-11-12.

Allele frequency attached by ClinVar (database versions not stated): ESP Exome Variant Server 0.46979; gnomAD 0.51461; TOPMed 0.51573; 1000 Genomes Project 30x 0.53029; 1000 Genomes Project 0.54034.

Submissions (3):

GeneDx
Classification: Benign. Last evaluated: 2018-11-12. Review status: criteria provided, single submitter. Criteria: GeneDx Variant Classification Process June 2021. Collection method: clinical testing. Allele origin: germline. Affected: yes.

Laboratory for Molecular Medicine, Mass General Brigham Personalized Medicine
Classification: Benign. Last evaluated: 2016-03-28. Review status: criteria provided, single submitter. Criteria: LMM Criteria. Collection method: clinical testing. Allele origin: germline.
Comment: Variant identified in a genome or exome case(s) and assessed due to predicted null impact of the variant or pathogenic assertions in the literature or databases. Disclaimer: This variant has not undergone full assessment. The following are preliminary notes: Frequency

Breakthrough Genomics
Classification: Benign. Review status: criteria provided, single submitter. Criteria: ACMG Guidelines, 2015. Collection method: not provided. Allele origin: germline. Inheritance: Autosomal dominant inheritance. Affected: yes.